The following is an entry in ClinVar:

ClinVar aggregate classification (germline): Conflicting classifications of pathogenicity. Review status: criteria provided, conflicting classifications (1 of 4 stars). 3 submissions from 3 submitters: Uncertain significance (1); Likely benign (2). Last evaluated 2026-04-13.

Conditions:
Hereditary cancer-predisposing syndrome. Also called: Tumor predisposition; Hereditary Cancer Syndrome; Hereditary neoplastic syndrome; Neoplastic Syndromes, Hereditary. Identifiers: Orphanet 140162, MedGen C0027672, MeSH D009386, MONDO:0015356.
DICER1-related tumor predisposition. Also called: DICER1 syndrome; DICER1-related pleuropulmonary blastoma cancer predisposition syndrome. Identifiers: Orphanet 284343, MedGen C3839822, MONDO:0100216.

Allele frequency attached by ClinVar (database versions not stated): gnomAD 0.00001.
gnomAD v4.1: 1 of 1,604,870 alleles (0.000062%); highest among the groups gnomAD compares: African/African-American, 0.0013%; no homozygotes.

Submissions (3):

Myriad Genetics, Inc.
Classification: Likely benign for DICER1-related tumor predisposition. Last evaluated: 2026-04-13. Review status: criteria provided, single submitter. Criteria: Myriad Autosomal Dominant, Autosomal Recessive and X-Linked Classification Criteria (2023). Collection method: clinical testing. Allele origin: unknown.
Comment: This variant is considered likely benign. This variant is intronic and is not expected to impact mRNA splicing.

Labcorp Genetics (formerly Invitae), Labcorp
Classification: Likely benign for DICER1-related tumor predisposition. Last evaluated: 2022-03-26. Review status: criteria provided, single submitter. Criteria: Invitae Variant Classification Sherloc (09022015). Collection method: clinical testing. Allele origin: germline.

Sema4
Classification: Uncertain significance for Hereditary cancer-predisposing syndrome. Last evaluated: 2021-12-01. Review status: criteria provided, single submitter. Criteria: Sema4 Curation Guidelines. Collection method: curation. Allele origin: germline.
Comment: The DICER1 c.2437-6G>A variant has not been reported in literature to our knowledge. It was not observed in the large and broad cohorts of the Genome Aggregation Database (PMID: 32461654). The variant has been reported in ClinVar (Variation ID: 757190). In silico tools developed to predict the effect of sequence changes on RNA splicing do not suggest negative effect on normal splicing, though these predictions have not been confirmed by functional studies. The evidence is insufficient to meet ACMG/AMP criteria for classifying the variant as benign or pathogenic. Thus, the clinical significance of this variant is currently uncertain.

NM_177438.3(DICER1):c.2437-6G>A

Gene: DICER1 (dicer 1, ribonuclease III; minus strand). Cytogenetic location: 14q32.13.
Variant type: single nucleotide variant.
Coding change: c.2437-6G>A on transcript NM_177438.3 (MANE Select); 6 bases into the intron before coding-DNA position 2437, G replaced by A.
Molecular consequence: intron variant.
Genome position (GRCh38, 1-based): chr14:95,108,099, C>T on the plus strand (G>A on the coding strand, the complement: DICER1 is on the minus strand). VCF-style: chr14-95108099-C-T. GRCh37 (hg19) VCF-style: chr14-95574436-C-T.
Other names: c.2437-6G>A (NM_001291628.2, NM_030621.4, NM_001271282.3 and 1 more transcripts).
Identifiers: ClinVar variation 757190 (VCV000757190.12), dbSNP rs1595381016, ClinGen allele CA915946389.